The following is an entry in ClinVar:

NM_001080442.3(SLC38A8):c.388+1G>C

Gene: SLC38A8 (solute carrier family 38 member 8; minus strand). Cytogenetic location: 16q23.3.
Variant type: single nucleotide variant.
Coding change: c.388+1G>C on transcript NM_001080442.3 (MANE Select); the canonical splice donor site of the intron after coding-DNA position 388, G replaced by C.
Molecular consequence: splice donor variant.
Genome position (GRCh38, 1-based): chr16:84,036,701, C>G on the plus strand (G>C on the coding strand, the complement: SLC38A8 is on the minus strand). VCF-style: chr16-84036701-C-G. GRCh37 (hg19) VCF-style: chr16-84070306-C-G.
Identifiers: ClinVar variation 3242007 (VCV003242007.2), dbSNP rs149436446.

ClinVar aggregate classification (germline): Likely pathogenic. Review status: criteria provided, multiple submitters, no conflicts (2 of 4 stars). 2 submissions from 2 submitters: Likely pathogenic (2). Last evaluated 2024-12-06.

Conditions:
Foveal hypoplasia - optic nerve decussation defect - anterior segment dysgenesis syndrome. Also called: FOVEAL HYPOPLASIA 2 WITH OR WITHOUT OPTIC NERVE MISROUTING AND/OR ANTERIOR SEGMENT DYSGENESIS; FOVEAL HYPOPLASIA 2 WITH OR WITHOUT MICROPHTHALMIA OR COLOBOMA; FOVEAL HYPOPLASIA 2 WITH OPTIC NERVE DECUSSATION DEFECTS AND ANTERIOR SEGMENT DYSGENESIS WITHOUT ALBINISM; Foveal hypoplasia 2. Identifiers: Orphanet 397618, MedGen C3807873, MONDO:0012216, OMIM 609218.

gnomAD v4.1: 2 of 1,614,100 alleles (0.00012%); highest among the groups gnomAD compares: East Asian, 0.0022%; no homozygotes.

Submissions (2):

Women's Health and Genetics/Laboratory Corporation of America, LabCorp
Classification: Likely pathogenic for Foveal hypoplasia - optic nerve decussation defect - anterior segment dysgenesis syndrome. Last evaluated: 2024-12-06. Review status: criteria provided, single submitter. Criteria: LabCorp Variant Classification Summary - May 2015. Collection method: clinical testing. Allele origin: germline.
Comment: Variant summary: SLC38A8 c.388+1G>C is located in a canonical splice-site and is predicted to affect mRNA splicing resulting in a significantly altered protein due to either exon skipping, shortening, or inclusion of intronic material. Variants that disrupt the consensus splice site are a relatively common cause of aberrant splicing and loss of SLC38A8 function. Several computational tools predict a significant impact on normal splicing: Four predict the variant abolishes a canonical 5' splicing donor site. However, these predictions have yet to be confirmed by functional studies. The variant allele was found at a frequency of 1.6e-05 in 250762 control chromosomes. To our knowledge, no occurrence of c.388+1G>C in individuals affected with Foveal Hypoplasia, Optic Nerve Decussation Defect, Anterior Segment Dysgenesis Syndrome and no experimental evidence demonstrating its impact on protein function have been reported. ClinVar contains an entry for this variant (Variation ID: 3242007). Based on the evidence outlined above, the variant was classified as likely pathogenic.

Neuberg Centre For Genomic Medicine, NCGM
Classification: Likely pathogenic for Foveal hypoplasia - optic nerve decussation defect - anterior segment dysgenesis syndrome. Review status: criteria provided, single submitter. Criteria: ACMG Guidelines, 2015. Collection method: clinical testing. Allele origin: germline. Inheritance: Autosomal recessive inheritance. Affected: yes.
Comment: The splice donor c.388+1G>C variant in the SLC38A8 gene has not been reported previously as a pathogenic variant nor as a benign variant, to our knowledge. This variant is reported with the allele frequency (0.001%) in the gnomAD Exomes. This variant affects the GT donor splice site downstream of exon 3. Loss of function variants has been previously reported to be disease causing (Poulter et al., 2013). For these reasons, this variant has been classified as Likely Pathogenic. In the absence of another reportable variant, the molecular diagnosis is not confirmed.